The following is an entry in ClinVar:

ClinVar aggregate classification (germline): Uncertain significance (1 of 4 stars; one submission).

gnomAD v4.1: 1 of 1,579,926 alleles (0.000063%); no homozygotes.

Submission:

Labcorp Genetics (formerly Invitae), Labcorp
Classification: Uncertain significance. Last evaluated: 2022-06-15. Review status: criteria provided, single submitter. Criteria: Invitae Variant Classification Sherloc (09022015). Collection method: clinical testing. Allele origin: germline.
Comment: In summary, the available evidence is currently insufficient to determine the role of this variant in disease. Therefore, it has been classified as a Variant of Uncertain Significance. Algorithms developed to predict the effect of missense changes on protein structure and function (SIFT, PolyPhen-2, Align-GVGD) all suggest that this variant is likely to be tolerated. This variant has not been reported in the literature in individuals affected with RTTN-related conditions. This variant is not present in population databases (gnomAD no frequency). This sequence change replaces isoleucine, which is neutral and non-polar, with valine, which is neutral and non-polar, at codon 1154 of the RTTN protein (p.Ile1154Val).

NM_173630.4(RTTN):c.3460A>G (p.Ile1154Val)

Gene: RTTN (rotatin; minus strand). Cytogenetic location: 18q22.2.
Variant type: single nucleotide variant.
Coding change: c.3460A>G on transcript NM_173630.4 (MANE Select); coding-DNA position 3460, A replaced by G.
Protein change: p.Ile1154Val; replaces isoleucine 1154 with valine.
Molecular consequence: missense variant.
Genome position (GRCh38, 1-based): chr18:70,121,624, T>C on the plus strand (A>G on the coding strand, the complement: RTTN is on the minus strand). VCF-style: chr18-70121624-T-C. GRCh37 (hg19) VCF-style: chr18-67788860-T-C.
Other names: c.724A>G, p.Ile242Val (NM_001318520.2); short protein forms I1154V, I242V.
Identifiers: ClinVar variation 2006987 (VCV002006987.4), dbSNP rs2512468102, ClinGen allele CA402691991.